The following is an entry in ClinVar:

NM_020693.4(DSCAML1):c.4097C>A (p.Thr1366Asn)

Gene: DSCAML1 (DS cell adhesion molecule like 1; minus strand). Cytogenetic location: 11q23.3.
Variant type: single nucleotide variant.
Coding change: c.4097C>A on transcript NM_020693.4 (MANE Select); coding-DNA position 4097, C replaced by A.
Protein change: p.Thr1366Asn; replaces threonine 1366 with asparagine.
Molecular consequence: missense variant.
Genome position (GRCh38, 1-based): chr11:117,439,313, G>T on the plus strand (C>A on the coding strand, the complement: DSCAML1 is on the minus strand). VCF-style: chr11-117439313-G-T. GRCh37 (hg19) VCF-style: chr11-117310029-G-T.
Other names: short protein forms T1366N.
Identifiers: ClinVar variation 1929263 (VCV001929263.5), dbSNP rs772073567, ClinGen allele CA6296494.

ClinVar aggregate classification (germline): Uncertain significance (1 of 4 stars; one submission).

Allele frequency attached by ClinVar (database versions not stated): ExAC 0.00001; gnomAD 0.00001; TOPMed 0.00001; gnomAD exomes 0.00002.
gnomAD v4.1: 24 of 1,613,962 alleles (0.0015%); highest among the groups gnomAD compares: Non-Finnish European, 0.0019%; no homozygotes.

Submission:

Labcorp Genetics (formerly Invitae), Labcorp
Classification: Uncertain significance. Last evaluated: 2024-10-15. Review status: criteria provided, single submitter. Criteria: Invitae Variant Classification Sherloc (09022015). Collection method: clinical testing. Allele origin: germline.
Comment: This sequence change replaces threonine, which is neutral and polar, with asparagine, which is neutral and polar, at codon 1426 of the DSCAML1 protein (p.Thr1426Asn). This variant is present in population databases (rs772073567, gnomAD 0.0009%). This variant has not been reported in the literature in individuals affected with DSCAML1-related conditions. ClinVar contains an entry for this variant (Variation ID: 1929263). An algorithm developed to predict the effect of missense changes on protein structure and function (PolyPhen-2) suggests that this variant is likely to be tolerated. In summary, the available evidence is currently insufficient to determine the role of this variant in disease. Therefore, it has been classified as a Variant of Uncertain Significance.